The following is an entry in ClinVar:

ClinVar aggregate classification (germline): Uncertain significance. Review status: criteria provided, multiple submitters, no conflicts (2 of 4 stars). 5 submissions from 5 submitters: Uncertain significance (5). Last evaluated 2024-01-08.

Conditions:
PIGO-related disorder. Also called: PIGO-related condition.
Hyperphosphatasia with impaired intellectual development syndrome 2. Also called: GLYCOSYLPHOSPHATIDYLINOSITOL BIOSYNTHESIS DEFECT 6; Hyperphosphatasia with intellectual disability syndrome 2. Identifiers: Orphanet 247262, MedGen C3553637, MONDO:0013882, OMIM 614749.

Allele frequency attached by ClinVar (database versions not stated): TOPMed 0.00001; gnomAD exomes 0.00002 and 0.00001; ExAC 0.00001.

Submissions (5):

Fulgent Genetics
Classification: Uncertain significance for Hyperphosphatasia with impaired intellectual development syndrome 2. Last evaluated: 2024-01-08. Review status: criteria provided, single submitter. Criteria: ACMG Guidelines, 2015. Collection method: clinical testing. Allele origin: germline.

PreventionGenetics, part of Exact Sciences
Classification: Uncertain significance for PIGO-related condition. Last evaluated: 2022-10-13. Review status: criteria provided, single submitter. Criteria: ACMG Guidelines, 2015. Collection method: clinical testing. Allele origin: germline.
Comment: The PIGO c.1723T>G variant is predicted to result in the amino acid substitution p.Phe575Val. To our knowledge, this variant has not been reported in the literature. This variant is reported in 0.014% of alleles in individuals of Latino descent in gnomAD. At this time, the clinical significance of this variant is uncertain due to the absence of conclusive functional and genetic evidence.

Labcorp Genetics (formerly Invitae), Labcorp
Classification: Uncertain significance for Hyperphosphatasia with impaired intellectual development syndrome 2. Last evaluated: 2022-01-03. Review status: criteria provided, single submitter. Criteria: Invitae Variant Classification Sherloc (09022015). Collection method: clinical testing. Allele origin: germline.
Comment: This sequence change replaces phenylalanine, which is neutral and non-polar, with valine, which is neutral and non-polar, at codon 575 of the PIGO protein (p.Phe575Val). This variant is present in population databases (rs769087057, gnomAD 0.01%). This variant has not been reported in the literature in individuals affected with PIGO-related conditions. ClinVar contains an entry for this variant (Variation ID: 1304180). Algorithms developed to predict the effect of missense changes on protein structure and function are either unavailable or do not agree on the potential impact of this missense change (SIFT: "Deleterious"; PolyPhen-2: "Probably Damaging"; Align-GVGD: "Class C15"). In summary, the available evidence is currently insufficient to determine the role of this variant in disease. Therefore, it has been classified as a Variant of Uncertain Significance.

GeneDx
Classification: Uncertain significance. Last evaluated: 2020-09-30. Review status: criteria provided, single submitter. Criteria: GeneDx Variant Classification Process June 2021. Collection method: clinical testing. Allele origin: germline. Affected: yes.
Comment: Has not been previously published as pathogenic or benign to our knowledge; In silico analysis, which includes protein predictors and evolutionary conservation, supports a deleterious effect; Not observed at a significant frequency in large population cohorts (Lek et al., 2016)

Division Of Personalized Genomic Medicine, Columbia University Irving Medical Center
Classification: Uncertain significance for Hyperphosphatasia with impaired intellectual development syndrome 2. Last evaluated: 2020-01-24. Review status: criteria provided, single submitter. Criteria: ACMG Guidelines, 2015. Collection method: clinical testing. Allele origin: germline. Inheritance: Autosomal recessive inheritance. Observed: 1 compound heterozygote.
Comment: The c.1723T>G variant in the PIGO gene is a missense variant which results in the substitution of a conserved phenylalanine residue at amino acid position 575 for a valine (NP_116023.2). This variant localizes to coding exon 7 of the PIGO gene (11 coding exons in total; NM_032634.4). It is predicted to be damaging to protein structure and/or function by PROVEAN and SIFT. This variant is present in the Genome Aggregation Database (gnomAD) at a very low frequency, 0.00199% (5 out of 251,270 alleles), indicating it is not a common benign variant in the populations represented in this database. To the best of our knowledge, this specific variant has not been reported in the literature or any human disease mutation databases. Given this evidence, the c.1723T>G, p.Phe575Val variant in PIGO is classified as a variant of uncertain clinical significance.

NM_032634.4(PIGO):c.1723T>G (p.Phe575Val)

Gene: PIGO (phosphatidylinositol glycan anchor biosynthesis class O; minus strand). Cytogenetic location: 9p13.3.
Variant type: single nucleotide variant.
Coding change: c.1723T>G on transcript NM_032634.4 (MANE Select); coding-DNA position 1723, T replaced by G.
Protein change: p.Phe575Val; replaces phenylalanine 575 with valine.
Molecular consequence: missense variant. On other transcripts: intron variant (2).
Genome position (GRCh38, 1-based): chr9:35,092,164, A>C on the plus strand (T>G on the coding strand, the complement: PIGO is on the minus strand). VCF-style: chr9-35092164-A-C. GRCh37 (hg19) VCF-style: chr9-35092161-A-C.
Other names: c.1344+379T>G (NM_152850.4, NM_001201484.2); short protein forms F575V.
Identifiers: ClinVar variation 1304180 (VCV001304180.6), dbSNP rs769087057, ClinGen allele CA5040577.
Genomic context (GRCh38, chr9:35,092,164, plus strand): 5'-GCAGCTGGCCCTCCCAGTGAAGCTGGACAACCAGGAGCAGGATGAATGAGCCCAAAAGGA[A>C]GGGGGTGGCCCTGGCCTCAGCTACAACAAAACTATCAGAGAAGAACACAGCCAAGCGAAA-3'
Protein context (NP_116023.2, residues 565-585): FVVAEARATP[Phe575Val]LLGSFILLLV